The following is an entry in ClinVar:

NM_001903.5(CTNNA1):c.1694C>T (p.Pro565Leu)

Gene: CTNNA1 (catenin alpha 1; plus strand). Cytogenetic location: 5q31.2.
Variant type: single nucleotide variant.
Coding change: c.1694C>T on transcript NM_001903.5 (MANE Select); coding-DNA position 1694, C replaced by T.
Protein change: p.Pro565Leu; replaces proline 565 with leucine.
Molecular consequence: missense variant.
Genome position (GRCh38, 1-based): chr5:138,924,657, C>T. VCF-style: chr5-138924657-C-T. GRCh37 (hg19) VCF-style: chr5-138260346-C-T.
Other names: c.1694C>T, p.Pro565Leu (NM_001290307.3, NM_001323982.2, NM_001323983.1 and 2 more transcripts); c.1385C>T, p.Pro462Leu (NM_001290309.3); c.1325C>T, p.Pro442Leu (NM_001290310.3); c.584C>T, p.Pro195Leu (NM_001290312.1, NM_001323987.1, NM_001323998.1 and 17 more transcripts); c.1601C>T, p.Pro534Leu (NM_001323986.2); c.245C>T, p.Pro82Leu (NM_001324006.1, NM_001324007.1, NM_001324008.1 and 2 more transcripts); c.491C>T, p.Pro164Leu (NM_001324011.1); c.341C>T, p.Pro114Leu (NM_001324012.1, NM_001324013.1); short protein forms P462L, P82L, P164L, P442L, P534L, P114L, P195L, P565L.
Identifiers: ClinVar variation 3705306 (VCV003705306.2).

ClinVar aggregate classification (germline): Uncertain significance (1 of 4 stars; one submission).

Submission:

Labcorp Genetics (formerly Invitae), Labcorp
Classification: Uncertain significance. Last evaluated: 2024-12-19. Review status: criteria provided, single submitter. Criteria: Invitae Variant Classification Sherloc (09022015). Collection method: clinical testing. Allele origin: germline.
Comment: This sequence change replaces proline, which is neutral and non-polar, with leucine, which is neutral and non-polar, at codon 565 of the CTNNA1 protein (p.Pro565Leu). This variant is not present in population databases (gnomAD no frequency). This variant has not been reported in the literature in individuals affected with CTNNA1-related conditions. Invitae Evidence Modeling of protein sequence and biophysical properties (such as structural, functional, and spatial information, amino acid conservation, physicochemical variation, residue mobility, and thermodynamic stability) indicates that this missense variant is not expected to disrupt CTNNA1 protein function with a negative predictive value of 80%. In summary, the available evidence is currently insufficient to determine the role of this variant in disease. Therefore, it has been classified as a Variant of Uncertain Significance.